The following is an entry in ClinVar:

ClinVar aggregate classification (germline): Uncertain significance (1 of 4 stars; one submission).

Conditions:
Autosomal recessive ataxia, Beauce type. Also called: Spinocerebellar ataxia, autosomal recessive 8; ATAXIA, RECESSIVE, OF BEAUCE; SYNE1-Related Autosomal Recessive Cerebellar Ataxia; SYNE1 Deficiency. Identifiers: Orphanet 88644, MedGen C1853116, MONDO:0012549, OMIM 610743.
Emery-Dreifuss muscular dystrophy 4, autosomal dominant (EDMD4). Also called: EMERY-DREIFUSS MUSCULAR DYSTROPHY 4 WITH VARIABLE FEATURES. Identifiers: Orphanet 261, MedGen C2751807, MONDO:0013071, OMIM 612998.

Allele frequency attached by ClinVar (database versions not stated): gnomAD exomes below 0.00001 and 0.00001; ExAC 0.00001; TOPMed 0.00002.
gnomAD v4.1: 3 of 1,614,200 alleles (0.00019%); highest among the groups gnomAD compares: East Asian, 0.0067%; no homozygotes.

Submission:

Labcorp Genetics (formerly Invitae), Labcorp
Classification: Uncertain significance for Emery-Dreifuss muscular dystrophy 4, autosomal dominant; Autosomal recessive ataxia, Beauce type. Last evaluated: 2023-12-07. Review status: criteria provided, single submitter. Criteria: Invitae Variant Classification Sherloc (09022015). Collection method: clinical testing. Allele origin: germline.
Comment: This sequence change replaces isoleucine, which is neutral and non-polar, with valine, which is neutral and non-polar, at codon 4232 of the SYNE1 protein (p.Ile4232Val). This variant is present in population databases (rs758301679, gnomAD 0.006%). This variant has not been reported in the literature in individuals affected with SYNE1-related conditions. ClinVar contains an entry for this variant (Variation ID: 957124). An algorithm developed to predict the effect of missense changes on protein structure and function (PolyPhen-2) suggests that this variant is likely to be tolerated. In summary, the available evidence is currently insufficient to determine the role of this variant in disease. Therefore, it has been classified as a Variant of Uncertain Significance.

NM_182961.4(SYNE1):c.12907A>G (p.Ile4303Val)

Gene: SYNE1 (spectrin repeat containing nuclear envelope protein 1; minus strand). Cytogenetic location: 6q25.2.
Variant type: single nucleotide variant.
Coding change: c.12907A>G on transcript NM_182961.4 (MANE Select); coding-DNA position 12907, A replaced by G.
Protein change: p.Ile4303Val; replaces isoleucine 4303 with valine.
Molecular consequence: missense variant.
Genome position (GRCh38, 1-based): chr6:152,331,778, T>C on the plus strand (A>G on the coding strand, the complement: SYNE1 is on the minus strand). VCF-style: chr6-152331778-T-C. GRCh37 (hg19) VCF-style: chr6-152652913-T-C.
Other names: c.12694A>G, p.Ile4232Val (NM_033071.5); short protein forms I4232V, I4303V.
Identifiers: ClinVar variation 957124 (VCV000957124.9), dbSNP rs758301679, ClinGen allele CA4056292.
Genomic context (GRCh38, chr6:152,331,778, plus strand): 5'-GCTCTAAATGACTCGTCTGTTCTTTGACTAACTCCTTGTCATCTAAATTCAGATGCTCTA[T>C]CATTTTCTGCTTTTGATCTTTCAGATCTTCAATAGCATACTTTCTCTCCTGCAATGCCAA-3'
Protein context (NP_892006.3, residues 4293-4313): EDLKDQKQKM[Ile4303Val]EHLNLDDKEL